The following is an entry in ClinVar:

ClinVar aggregate classification (germline): Uncertain significance (1 of 4 stars; one submission).

Submission:

Labcorp Genetics (formerly Invitae), Labcorp
Classification: Uncertain significance. Last evaluated: 2023-08-04. Review status: criteria provided, single submitter. Criteria: Invitae Variant Classification Sherloc (09022015). Collection method: clinical testing. Allele origin: germline.
Comment: In summary, the available evidence is currently insufficient to determine the role of this variant in disease. Therefore, it has been classified as a Variant of Uncertain Significance. Experimental studies and prediction algorithms are not available or were not evaluated, and the functional significance of this variant is currently unknown. This variant has not been reported in the literature in individuals affected with MBD4-related conditions. This variant is not present in population databases (gnomAD no frequency). This variant, c.742_744del, results in the deletion of 1 amino acid(s) of the MBD4 protein (p.Lys248del), but otherwise preserves the integrity of the reading frame.

NM_001276270.2(MBD4):c.742_744del (p.Lys248del)

Gene: MBD4 (methyl-CpG binding domain 4, DNA glycosylase; minus strand). Cytogenetic location: 3q21.3.
Variant type: Deletion.
Coding change: c.742_744del on transcript NM_001276270.2 (MANE Select); coding-DNA positions 742 to 744, 3 bases deleted (AAA; older notation c.742_744delAAA).
Protein change: p.Lys248del; deletes lysine 248.
Molecular consequence: inframe deletion. On other transcripts: intron variant (1).
Genome position (GRCh38, 1-based): chr3:129,436,900-129,436,902, TTT deleted on the plus strand (AAA on the coding strand, the reverse complement: MBD4 is on the minus strand); deleting any 3 consecutive bases within chr3:129,436,900-129,436,905 gives the same sequence; the c. name uses the placement nearest the transcript's 3' end. VCF-style (leftmost placement, unchanged base first): chr3-129436899-CTTT-C. GRCh37 (hg19) VCF-style: chr3-129155742-CTTT-C.
Other names: c.742_744del, p.Lys248del (NM_001276271.2, NM_001276272.2, NM_003925.3); c.247+906_247+908del (NM_001276273.2); short protein forms K248del.
Identifiers: ClinVar variation 2854531 (VCV002854531.3), dbSNP rs2530721160, ClinGen allele CA2739278811.